The following is an entry in ClinVar:

NM_007194.4(CHEK2):c.960A>T (p.Lys320Asn)

Gene: CHEK2 (checkpoint kinase 2; minus strand). Cytogenetic location: 22q12.1.
Variant type: single nucleotide variant.
Coding change: c.960A>T on transcript NM_007194.4 (MANE Select); coding-DNA position 960, A replaced by T.
Protein change: p.Lys320Asn; replaces lysine 320 with asparagine.
Molecular consequence: missense variant.
Genome position (GRCh38, 1-based): chr22:28,699,886, T>A on the plus strand (A>T on the coding strand, the complement: CHEK2 is on the minus strand). VCF-style: chr22-28699886-T-A. GRCh37 (hg19) VCF-style: chr22-29095874-T-A.
Other names: c.1089A>T, p.Lys363Asn (NM_001005735.3); c.297A>T, p.Lys99Asn (NM_001257387.3); c.759A>T, p.Lys253Asn (NM_001349956.3); c.960A>T, p.Lys320Asn (NM_145862.3); short protein forms K320N, K253N, K363N, K99N.
Identifiers: ClinVar variation 479539 (VCV000479539.12), dbSNP rs1237880782, ClinGen allele CA411099816.

ClinVar aggregate classification (germline): Conflicting classifications of pathogenicity. Review status: criteria provided, conflicting classifications (1 of 4 stars). 3 submissions from 3 submitters: Uncertain significance (1); Likely benign (2). Last evaluated 2025-10-21.

Conditions:
Familial cancer of breast. Also called: BREAST CANCER, FAMILIAL; Hereditary breast cancer; hereditary breast carcinoma. Identifiers: Orphanet 227535, MedGen C0346153, MONDO:0016419, OMIM 114480. Disease mechanism: loss of function.
Hereditary cancer-predisposing syndrome. Also called: Hereditary Cancer Syndrome; Neoplastic Syndromes, Hereditary; Tumor predisposition; Hereditary neoplastic syndrome. Identifiers: Orphanet 140162, MedGen C0027672, MeSH D009386, MONDO:0015356.

Allele frequency attached by ClinVar (database versions not stated): TOPMed below 0.00001.
gnomAD v4.1: 1 of 1,614,140 alleles (0.000062%); no homozygotes.

Submissions (3):

Color Diagnostics, LLC DBA Color Health
Classification: Likely benign for Hereditary cancer-predisposing syndrome. Last evaluated: 2025-10-21. Review status: criteria provided, single submitter. Criteria: ACMG Guidelines, 2015. Collection method: clinical testing. Allele origin: germline.

Labcorp Genetics (formerly Invitae), Labcorp
Classification: Uncertain significance for Familial cancer of breast. Last evaluated: 2025-08-20. Review status: criteria provided, single submitter. Criteria: Invitae Variant Classification Sherloc (09022015). Collection method: clinical testing. Allele origin: germline.
Comment: This sequence change replaces lysine, which is basic and polar, with asparagine, which is neutral and polar, at codon 320 of the CHEK2 protein (p.Lys320Asn). This variant is not present in population databases (gnomAD no frequency). This variant has not been reported in the literature in individuals affected with CHEK2-related conditions. ClinVar contains an entry for this variant (Variation ID: 479539). An algorithm developed to predict the effect of missense changes on protein structure and function outputs the following: PolyPhen-2: "Benign". The asparagine amino acid residue is found in multiple mammalian species, which suggests that this missense change does not adversely affect protein function. In summary, the available evidence is currently insufficient to determine the role of this variant in disease. Therefore, it has been classified as a Variant of Uncertain Significance.

Ambry Genetics
Classification: Likely benign for Hereditary cancer-predisposing syndrome. Last evaluated: 2024-04-23. Review status: criteria provided, single submitter. Criteria: Ambry Variant Classification Scheme 2023. Collection method: clinical testing. Allele origin: germline.

Literature cited by the submitters: PubMed 37449874 (cited by Ambry Genetics).